The following is an entry in ClinVar:

NM_006922.4(SCN3A):c.1484G>T (p.Ser495Ile)

Gene: SCN3A (sodium voltage-gated channel alpha subunit 3; minus strand). Cytogenetic location: 2q24.3.
Variant type: single nucleotide variant.
Coding change: c.1484G>T on transcript NM_006922.4 (MANE Select); coding-DNA position 1484, G replaced by T.
Protein change: p.Ser495Ile; replaces serine 495 with isoleucine.
Molecular consequence: missense variant.
Genome position (GRCh38, 1-based): chr2:165,146,926, C>A on the plus strand (G>T on the coding strand, the complement: SCN3A is on the minus strand). VCF-style: chr2-165146926-C-A. GRCh37 (hg19) VCF-style: chr2-166003436-C-A.
Other names: c.1484G>T, p.Ser495Ile (NM_001081676.2, NM_001081677.2); short protein forms S495I.
Identifiers: ClinVar variation 1045509 (VCV001045509.8), dbSNP rs1688383869, ClinGen allele CA349236658.

ClinVar aggregate classification (germline): Uncertain significance (1 of 4 stars; one submission).

Submission:

Labcorp Genetics (formerly Invitae), Labcorp
Classification: Uncertain significance. Last evaluated: 2022-01-15. Review status: criteria provided, single submitter. Criteria: Invitae Variant Classification Sherloc (09022015). Collection method: clinical testing. Allele origin: germline.
Comment: This sequence change replaces serine, which is neutral and polar, with isoleucine, which is neutral and non-polar, at codon 495 of the SCN3A protein (p.Ser495Ile). This variant is not present in population databases (gnomAD no frequency). This variant has not been reported in the literature in individuals affected with SCN3A-related conditions. ClinVar contains an entry for this variant (Variation ID: 1045509). Algorithms developed to predict the effect of missense changes on protein structure and function are either unavailable or do not agree on the potential impact of this missense change (SIFT: "Deleterious"; PolyPhen-2: "Probably Damaging"; Align-GVGD: "Class C0"). In summary, the available evidence is currently insufficient to determine the role of this variant in disease. Therefore, it has been classified as a Variant of Uncertain Significance.